The following is an entry in ClinVar:

NC_000003.12:g.1740840_1742201del

Variant type: Deletion.
Genome position: GRCh38: chr3:1,740,840-1,742,201. GRCh37 (hg19): chr3:1,782,524-1,783,885.
Identifiers: ClinVar variation 156838 (VCV000156838.3), ClinGen allele CA212022.

ClinVar aggregate classification (germline): not provided (0 of 4 stars; one submission).

Conditions:
Gestational diabetes mellitus uncontrolled. Identifiers: MedGen C3532257.

Submission:

Institute of Molecular and Cell Biology, University of Tartu
No classification provided. Condition: Gestational diabetes mellitus uncontrolled. Review status: no classification provided. Collection method: case-control. Allele origin: unknown. Affected: yes. Study: Kasak2014.
Comment: The study aimed to determine the contribution of copy number variants in the genetic etiology of normal and complicated pregnancies. The samples represented (i) maternal blood DNA drawn from healthy pregnant women during 1st or 2nd trimester and (ii) maternal and paternal blood DNA drawn at term pregnancy cases representing normal and complicated gestations (severe preeclampsia, PE; gestational diabetes, GD; small-for-gestational age newborn, SGA; large-for-gestational age newborn, LGA). We performed CNV calling based on genome-wide genotyping dataset (Illumina HumanOmniExpress-24-v1 BeadChip) by applying three algorithms, QuantiSNP, GADA (Genome Alteration Detection Algorithm) and CNstream in parallel. The acquired CNV calls were merged with HD-CNV (Hotspot Detector for Copy Number Variants) program and only the CNVs predicted by at least two programs, were considered in subsequent analysis.

Literature cited by the submitters: PubMed 25666259.